The following is an entry in ClinVar:

ClinVar aggregate classification (germline): Uncertain significance (1 of 4 stars; one submission).

gnomAD v4.1: 124 of 1,333,860 alleles (0.0093%); highest among the groups gnomAD compares: Non-Finnish European, 0.011%; no homozygotes.

Submission:

GeneDx
Classification: Uncertain significance. Last evaluated: 2024-12-09. Review status: criteria provided, single submitter. Criteria: GeneDx Variant Classification Process June 2021. Collection method: clinical testing. Allele origin: germline. Affected: yes.
Comment: Not observed at significant frequency in large population cohorts (gnomAD); In silico analysis indicates that this missense variant does not alter protein structure/function; Has not been previously published as pathogenic or benign to our knowledge

NM_147196.3(TMIE):c.28C>T (p.Leu10Phe)

Gene: TMIE (transmembrane inner ear; plus strand). Cytogenetic location: 3p21.31.
Variant type: single nucleotide variant.
Coding change: c.28C>T on transcript NM_147196.3 (MANE Select); coding-DNA position 28, C replaced by T.
Protein change: p.Leu10Phe; replaces leucine 10 with phenylalanine.
Molecular consequence: missense variant. On other transcripts: intron variant (2).
Genome position (GRCh38, 1-based): chr3:46,701,515, C>T. VCF-style: chr3-46701515-C-T. GRCh37 (hg19) VCF-style: chr3-46743005-C-T.
Other names: c.-66-4275C>T (NM_001370524.1, NM_001370525.1); short protein forms L10F.
Identifiers: ClinVar variation 3901821 (VCV003901821.1).